The following is an entry in ClinVar:

ClinVar aggregate classification (germline): Pathogenic (1 of 4 stars; one submission).

Conditions:
Hypertrophic cardiomyopathy. Also called: HYPERTROPHIC MYOCARDIOPATHY. Identifiers: Orphanet 217569, MedGen C0007194, MeSH D002312, MONDO:0005045, HP:0001639.

Submission:

Labcorp Genetics (formerly Invitae), Labcorp
Classification: Pathogenic for Hypertrophic cardiomyopathy. Last evaluated: 2024-06-18. Review status: criteria provided, single submitter. Criteria: Invitae Variant Classification Sherloc (09022015). Collection method: clinical testing. Allele origin: germline.
Comment: This sequence change creates a premature translational stop signal (p.Tyr373Leufs*17) in the MYBPC3 gene. It is expected to result in an absent or disrupted protein product. Loss-of-function variants in MYBPC3 are known to be pathogenic (PMID: 19574547). This variant is not present in population databases (gnomAD no frequency). This variant has not been reported in the literature in individuals affected with MYBPC3-related conditions. ClinVar contains an entry for this variant (Variation ID: 2006010). Algorithms developed to predict the effect of sequence changes on RNA splicing suggest that this variant may disrupt the consensus splice site. For these reasons, this variant has been classified as Pathogenic.

Literature cited by the submitters: PubMed 19574547.

NM_000256.3(MYBPC3):c.1116dup (p.Tyr373fs)

Gene: MYBPC3 (myosin binding protein C3; minus strand). Cytogenetic location: 11p11.2.
Variant type: Duplication.
Coding change: c.1116dup on transcript NM_000256.3 (MANE Select); coding-DNA position 1116, one base duplicated (C; older notation c.1116dupC).
Protein change: p.Tyr373fs; shifts the reading frame from tyrosine 373.
Molecular consequence: frameshift variant.
Genome position (GRCh38, 1-based): chr11:47,343,599, G duplicated on the plus strand (C on the coding strand, the reverse complement: MYBPC3 is on the minus strand); the first of 2 consecutive G bases (chr11:47,343,599-47,343,600); duplicating either gives the same sequence. VCF-style (leftmost placement, unchanged base first): chr11-47343598-A-AG. GRCh37 (hg19) VCF-style: chr11-47365149-A-AG.
Other names: short protein forms Y373fs.
Identifiers: ClinVar variation 2006010 (VCV002006010.4), dbSNP rs2495765760, ClinGen allele CA2580084289.